The following is an entry in ClinVar:

NM_173628.4(DNAH17):c.5955C>G (p.Leu1985=)

Genes: DNAH17 (dynein axonemal heavy chain 17; minus strand), DNAH17-AS1 (DNAH17 antisense RNA 1; plus strand). Cytogenetic location: 17q25.3.
Variant type: single nucleotide variant.
Coding change: c.5955C>G on transcript NM_173628.4 (MANE Select); coding-DNA position 5955, C replaced by G.
Protein change: p.Leu1985=; no amino-acid change (leucine 1985 retained).
Molecular consequence: synonymous variant.
Genome position (GRCh38, 1-based): chr17:78,495,046, G>C on the plus strand (C>G on the coding strand, the complement: DNAH17 is on the minus strand). VCF-style: chr17-78495046-G-C. GRCh37 (hg19) VCF-style: chr17-76491128-G-C.
Identifiers: ClinVar variation 402683 (VCV000402683.9), dbSNP rs606944, ClinGen allele CA8802982.

ClinVar aggregate classification (germline): Benign. Review status: criteria provided, multiple submitters, no conflicts (2 of 4 stars). 4 submissions from 4 submitters: Benign (3). 1 of the submissions does not count toward it. Last evaluated 2021-05-04.

Conditions:
DNAH17-related disorder. Also called: DNAH17-related condition.

Allele frequency attached by ClinVar (database versions not stated): gnomAD exomes 0.83372 and 0.86342; ExAC 0.86343; ESP Exome Variant Server 0.86471; TOPMed 0.88069; 1000 Genomes Project 0.93131; 1000 Genomes Project 30x 0.93207.
gnomAD v4.1: 1,349,495 of 1,610,586 alleles (84%); highest among the groups gnomAD compares: East Asian, 99%; 567,584 homozygotes.

Submissions (4):

GeneDx
Classification: Benign. Last evaluated: 2021-05-04. Review status: criteria provided, single submitter. Criteria: GeneDx Variant Classification Process June 2021. Collection method: clinical testing. Allele origin: germline. Affected: yes.

Laboratory for Molecular Medicine, Mass General Brigham Personalized Medicine
Classification: Benign. Last evaluated: 2016-03-29. Review status: criteria provided, single submitter. Criteria: LMM Criteria. Collection method: clinical testing. Allele origin: germline.
Comment: Variant identified in a genome or exome case(s) and assessed due to predicted null impact of the variant or pathogenic assertions in the literature or databases. Disclaimer: This variant has not undergone full assessment. The following are preliminary notes: Frequency

Breakthrough Genomics
Classification: Benign. Review status: criteria provided, single submitter. Criteria: ACMG Guidelines, 2015. Collection method: not provided. Allele origin: germline. Inheritance: Autosomal recessive inheritance. Affected: yes.

PreventionGenetics, part of Exact Sciences
Classification: Benign for DNAH17-related condition. Last evaluated: 2019-10-17. Review status: no assertion criteria provided. Collection method: clinical testing. Allele origin: germline. Not counted in ClinVar's aggregate classification.
Comment: This variant is classified as benign based on ACMG/AMP sequence variant interpretation guidelines (Richards et al. 2015 PMID: 25741868, with internal and published modifications).